The following is an entry in ClinVar:

NM_025099.6(CTC1):c.955G>C (p.Glu319Gln)

Gene: CTC1 (CST telomere replication complex component 1; minus strand). Cytogenetic location: 17p13.1.
Variant type: single nucleotide variant.
Coding change: c.955G>C on transcript NM_025099.6 (MANE Select); coding-DNA position 955, G replaced by C.
Protein change: p.Glu319Gln; replaces glutamic acid 319 with glutamine.
Molecular consequence: missense variant. On other transcripts: non-coding transcript variant (1).
Genome position (GRCh38, 1-based): chr17:8,236,180, C>G on the plus strand (G>C on the coding strand, the complement: CTC1 is on the minus strand). VCF-style: chr17-8236180-C-G. GRCh37 (hg19) VCF-style: chr17-8139498-C-G.
Other names: c.955G>C, p.Glu319Gln (NM_001411067.1); short protein forms E319Q.
Identifiers: ClinVar variation 2695924 (VCV002695924.3), dbSNP rs1987707354, ClinGen allele CA397988392.

ClinVar aggregate classification (germline): Uncertain significance (1 of 4 stars; one submission).

Conditions:
Dyskeratosis congenita. Identifiers: Orphanet 1775, MedGen C0265965, MONDO:0015780.

Submission:

Labcorp Genetics (formerly Invitae), Labcorp
Classification: Uncertain significance for Dyskeratosis congenita. Last evaluated: 2023-12-12. Review status: criteria provided, single submitter. Criteria: Invitae Variant Classification Sherloc (09022015). Collection method: clinical testing. Allele origin: germline.
Comment: This sequence change replaces glutamic acid, which is acidic and polar, with glutamine, which is neutral and polar, at codon 319 of the CTC1 protein (p.Glu319Gln). This variant is not present in population databases (gnomAD no frequency). This variant has not been reported in the literature in individuals affected with CTC1-related conditions. An algorithm developed to predict the effect of missense changes on protein structure and function (PolyPhen-2) suggests that this variant is likely to be tolerated. In summary, the available evidence is currently insufficient to determine the role of this variant in disease. Therefore, it has been classified as a Variant of Uncertain Significance.